The following is an entry in ClinVar:

NM_020699.4(GATAD2B):c.892dup (p.Tyr298fs)

Gene: GATAD2B (GATA zinc finger domain containing 2B; minus strand). Cytogenetic location: 1q21.3.
Variant type: Duplication.
Coding change: c.892dup on transcript NM_020699.4 (MANE Select); coding-DNA position 892, one base duplicated (T; older notation c.892dupT).
Protein change: p.Tyr298fs; shifts the reading frame from tyrosine 298.
Molecular consequence: frameshift variant.
Genome position (GRCh38, 1-based): chr1:153,817,380, A duplicated on the plus strand (T on the coding strand, the reverse complement: GATAD2B is on the minus strand); the first of 2 consecutive A bases (chr1:153,817,380-153,817,381); duplicating either gives the same sequence. VCF-style (leftmost placement, unchanged base first): chr1-153817379-T-TA. GRCh37 (hg19) VCF-style: chr1-153789855-T-TA.
Other names: short protein forms Y298fs.
Identifiers: ClinVar variation 3650576 (VCV003650576.2).

ClinVar aggregate classification (germline): Pathogenic (1 of 4 stars; one submission).

Submission:

Labcorp Genetics (formerly Invitae), Labcorp
Classification: Pathogenic. Last evaluated: 2025-01-27. Review status: criteria provided, single submitter. Criteria: Invitae Variant Classification Sherloc (09022015). Collection method: clinical testing. Allele origin: germline.
Comment: This sequence change creates a premature translational stop signal (p.Tyr298Leufs*41) in the GATAD2B gene. It is expected to result in an absent or disrupted protein product. Loss-of-function variants in GATAD2B are known to be pathogenic (PMID: 23033978, 25356899, 27159321). This variant is not present in population databases (gnomAD no frequency). This variant has not been reported in the literature in individuals affected with GATAD2B-related conditions. For these reasons, this variant has been classified as Pathogenic.

Literature cited by the submitters: PubMed 23033978; PubMed 25356899; PubMed 27159321.